The following is an entry in ClinVar:

NM_016616.5(NME8):c.1624G>C (p.Glu542Gln)

Gene: NME8 (NME/NM23 family member 8; plus strand). Cytogenetic location: 7p14.1.
Variant type: single nucleotide variant.
Coding change: c.1624G>C on transcript NM_016616.5 (MANE Select); coding-DNA position 1624, G replaced by C.
Protein change: p.Glu542Gln; replaces glutamic acid 542 with glutamine.
Molecular consequence: missense variant.
Genome position (GRCh38, 1-based): chr7:37,896,949, G>C. VCF-style: chr7-37896949-G-C. GRCh37 (hg19) VCF-style: chr7-37936551-G-C.
Other names: short protein forms E542Q.
Identifiers: ClinVar variation 1036346 (VCV001036346.8), dbSNP rs1785238206, ClinGen allele CA367217835.

ClinVar aggregate classification (germline): Uncertain significance (1 of 4 stars; one submission).

Conditions:
Primary ciliary dyskinesia 6. Also called: Primary Ciliary Dyskinesia 6: TXNDC3-Related Primary Ciliary Dyskinesia. Identifiers: Orphanet 244, MedGen C1970506, MONDO:0012571, OMIM 610852.

Allele frequency attached by ClinVar (database versions not stated): gnomAD exomes below 0.00001.
gnomAD v4.1: 1 of 1,613,892 alleles (0.000062%); highest among the groups gnomAD compares: Admixed American, 0.0017%; no homozygotes.

Submission:

Labcorp Genetics (formerly Invitae), Labcorp
Classification: Uncertain significance for Primary ciliary dyskinesia 6. Last evaluated: 2022-08-22. Review status: criteria provided, single submitter. Criteria: Invitae Variant Classification Sherloc (09022015). Collection method: clinical testing. Allele origin: germline.
Comment: This variant is not present in population databases (gnomAD no frequency). In summary, the available evidence is currently insufficient to determine the role of this variant in disease. Therefore, it has been classified as a Variant of Uncertain Significance. Algorithms developed to predict the effect of missense changes on protein structure and function are either unavailable or do not agree on the potential impact of this missense change (SIFT: "Deleterious"; PolyPhen-2: "Probably Damaging"; Align-GVGD: "Class C0"). ClinVar contains an entry for this variant (Variation ID: 1036346). This variant has not been reported in the literature in individuals affected with NME8-related conditions. This sequence change replaces glutamic acid, which is acidic and polar, with glutamine, which is neutral and polar, at codon 542 of the NME8 protein (p.Glu542Gln).